The following is an entry in ClinVar:

ClinVar aggregate classification (germline): Likely benign (0 of 4 stars; one submission).

Conditions:
KCNQ1-related disorder. Also called: KCNQ1-related disorders; KCNQ1-related condition. Identifiers: MedGen CN239322.

Submission:

PreventionGenetics, part of Exact Sciences
Classification: Likely benign for KCNQ1-related condition. Last evaluated: 2024-02-23. Review status: no assertion criteria provided. Collection method: clinical testing. Allele origin: germline.
Comment: This variant is classified as likely benign based on ACMG/AMP sequence variant interpretation guidelines (Richards et al. 2015 PMID: 25741868, with internal and published modifications).

NM_000218.3(KCNQ1):c.1514+30767_1514+30768del

Genes: KCNQ1 (potassium voltage-gated channel subfamily Q member 1; plus strand), KCNQ1OT1 (KCNQ1 opposite strand/antisense transcript 1; minus strand). Cytogenetic location: 11p15.5.
Variant type: Deletion.
Coding change: c.1514+30767_1514+30768del on transcript NM_000218.3 (MANE Select); bases 30767 to 30768 of the intron after coding-DNA position 1514, 2 bases deleted (TA; older notation c.1514+30767_1514+30768delTA).
Molecular consequence: intron variant. On other transcripts: non-coding transcript variant (1).
Genome position (GRCh38, 1-based): chr11:2,692,848-2,692,849, TA deleted; deleting any 2 consecutive bases within chr11:2,692,847-2,692,849 gives the same sequence; the c. name uses the placement nearest the transcript's 3' end. VCF-style (leftmost placement, unchanged base first): chr11-2692846-CAT-C. GRCh37 (hg19) VCF-style: chr11-2714076-CAT-C.
Other names: c.1244+30767_1244+30768del (NM_001406837.1); c.1418+30767_1418+30768del (NM_001406836.1); c.974+30767_974+30768del (NM_001406838.1); c.1133+30767_1133+30768del (NM_181798.2).
Identifiers: ClinVar variation 3029762 (VCV003029762.2), dbSNP rs1213305442, ClinGen allele CA597443292.